The following is an entry in ClinVar:

ClinVar aggregate classification (germline): Likely pathogenic (1 of 4 stars; one submission).

Conditions:
Hereditary cancer-predisposing syndrome. Also called: Hereditary neoplastic syndrome; Tumor predisposition; Hereditary Cancer Syndrome; Neoplastic Syndromes, Hereditary. Identifiers: Orphanet 140162, MedGen C0027672, MeSH D009386, MONDO:0015356.

Submission:

Labcorp Genetics (formerly Invitae), Labcorp
Classification: Likely pathogenic for Hereditary cancer-predisposing syndrome. Last evaluated: 2021-09-10. Review status: criteria provided, single submitter. Criteria: Invitae Variant Classification Sherloc (09022015). Collection method: clinical testing. Allele origin: germline.
Comment: This sequence change affects an acceptor splice site in intron 23 of the RAD50 gene. It is expected to disrupt RNA splicing. Variants that disrupt the donor or acceptor splice site typically lead to a loss of protein function (PMID: 16199547), and loss-of-function variants in RAD50 are known to be pathogenic (PMID: 19409520). This variant is not present in population databases (ExAC no frequency). This variant has not been reported in the literature in individuals affected with RAD50-related conditions. Algorithms developed to predict the effect of sequence changes on RNA splicing suggest that this variant may disrupt the consensus splice site. In summary, the currently available evidence indicates that the variant is pathogenic, but additional data are needed to prove that conclusively. Therefore, this variant has been classified as Likely Pathogenic.

Literature cited by the submitters: PubMed 16199547; PubMed 19409520.

NM_005732.4(RAD50):c.3619-1G>A

Genes: TH2-LCR (Th2 cytokine locus control region; plus strand), TH2LCRR (T helper type 2 locus control region associated RNA; minus strand), RAD50 (RAD50 double strand break repair protein; plus strand). Cytogenetic location: 5q31.1.
Variant type: single nucleotide variant.
Coding change: c.3619-1G>A on transcript NM_005732.4 (MANE Select); the canonical splice acceptor site of the intron before coding-DNA position 3619, G replaced by A.
Molecular consequence: splice acceptor variant.
Genome position (GRCh38, 1-based): chr5:132,640,671, G>A. VCF-style: chr5-132640671-G-A. GRCh37 (hg19) VCF-style: chr5-131976363-G-A.
Identifiers: ClinVar variation 1067008 (VCV001067008.7), dbSNP rs2149865518, ClinGen allele CA360933386.